The following is an entry in ClinVar:

ClinVar aggregate classification (germline): Uncertain significance. Review status: criteria provided, multiple submitters, no conflicts (2 of 4 stars). 2 submissions from 2 submitters: Uncertain significance (2). Last evaluated 2022-04-28.

Conditions:
Vitamin D-dependent rickets type II with alopecia (VDDR2A). Also called: GENERALIZED RESISTANCE TO 1,25-DIHYDROXYVITAMIN D; HYPOCALCEMIC VITAMIN D-RESISTANT RICKETS; PDDR IIA; PSEUDOVITAMIN D-DEFICIENCY, TYPE IIA; RICKETS, HEREDITARY VITAMIN D-RESISTANT; RICKETS-ALOPECIA SYNDROME. Identifiers: Orphanet 93160, MedGen C0342646, MONDO:0010186, OMIM 277440.

Allele frequency attached by ClinVar (database versions not stated): gnomAD 0.00003; TOPMed 0.00004.
gnomAD v4.1: 198 of 1,614,040 alleles (0.012%); highest among the groups gnomAD compares: Non-Finnish European, 0.016%; no homozygotes.

Submissions (2):

Labcorp Genetics (formerly Invitae), Labcorp
Classification: Uncertain significance. Last evaluated: 2022-04-28. Review status: criteria provided, single submitter. Criteria: Invitae Variant Classification Sherloc (09022015). Collection method: clinical testing. Allele origin: germline.
Comment: This sequence change replaces arginine, which is basic and polar, with glutamine, which is neutral and polar, at codon 22 of the VDR protein (p.Arg22Gln). This variant is present in population databases (rs201676749, gnomAD 0.008%). This variant has not been reported in the literature in individuals affected with VDR-related conditions. ClinVar contains an entry for this variant (Variation ID: 880999). Algorithms developed to predict the effect of missense changes on protein structure and function are either unavailable or do not agree on the potential impact of this missense change (SIFT: "Deleterious"; PolyPhen-2: "Possibly Damaging"; Align-GVGD: "Class C0"). Algorithms developed to predict the effect of sequence changes on RNA splicing suggest that this variant may create or strengthen a splice site. In summary, the available evidence is currently insufficient to determine the role of this variant in disease. Therefore, it has been classified as a Variant of Uncertain Significance.

Illumina Laboratory Services, Illumina
Classification: Uncertain significance for Vitamin D-dependent rickets type II with alopecia. Last evaluated: 2018-01-13. Review status: criteria provided, single submitter. Criteria: ICSL Variant Classification Criteria 13 December 2019. Collection method: clinical testing. Allele origin: germline.

NM_000376.3(VDR):c.65G>A (p.Arg22Gln)

Gene: VDR (vitamin D receptor; minus strand). Cytogenetic location: 12q13.11.
Variant type: single nucleotide variant.
Coding change: c.65G>A on transcript NM_000376.3 (MANE Select); coding-DNA position 65, G replaced by A.
Protein change: p.Arg22Gln; replaces arginine 22 with glutamine.
Molecular consequence: missense variant.
Genome position (GRCh38, 1-based): chr12:47,879,049, C>T on the plus strand (G>A on the coding strand, the complement: VDR is on the minus strand). VCF-style: chr12-47879049-C-T. GRCh37 (hg19) VCF-style: chr12-48272832-C-T.
Other names: c.65G>A, p.Arg22Gln (NM_001017535.2, NM_001364085.2, NM_001374661.1 and 1 more transcripts); c.215G>A, p.Arg72Gln (NM_001017536.2); short protein forms R22Q, R72Q.
Identifiers: ClinVar variation 880999 (VCV000880999.5), dbSNP rs201676749, ClinGen allele CA6534086.
Genomic context (GRCh38, chr12:47,879,049, plus strand): 5'-TCACAGGTCATAGCATTGAAGTGAAAGCCAGTGGCTCGGTCTCCACACACCCCACAGATC[C>T]GGGGCACGTTCCGGTCAAAGTCTCCAGGGTCAGGCAGGGAAGTGCTGGCCGCCATTGCCT-3'
Protein context (NP_000367.1, residues 12-32): DPGDFDRNVP[Arg22Gln]ICGVCGDRAT